The following is an entry in ClinVar:

NM_001385012.1(NBEA):c.3637A>G (p.Thr1213Ala)

Gene: NBEA (neurobeachin; plus strand). Cytogenetic location: 13q13.3.
Variant type: single nucleotide variant.
Coding change: c.3637A>G on transcript NM_001385012.1 (MANE Select); coding-DNA position 3637, A replaced by G.
Protein change: p.Thr1213Ala; replaces threonine 1213 with alanine.
Molecular consequence: missense variant.
Genome position (GRCh38, 1-based): chr13:35,159,808, A>G. VCF-style: chr13-35159808-A-G. GRCh37 (hg19) VCF-style: chr13-35733945-A-G.
Other names: c.3637A>G, p.Thr1213Ala (NM_001379245.1, NM_015678.5); short protein forms T1213A.
Identifiers: ClinVar variation 3054077 (VCV003054077.3), dbSNP rs182366771, ClinGen allele CA6946664.

ClinVar aggregate classification (germline): Likely benign. Review status: criteria provided, single submitter (1 of 4 stars). 2 submissions from 2 submitters: Likely benign (1). 1 of the submissions does not count toward it. Last evaluated 2026-08-01.

Conditions:
NBEA-related disorder. Also called: NBEA-related condition.

Allele frequency attached by ClinVar (database versions not stated): gnomAD exomes 0.00005; gnomAD 0.00009; TOPMed 0.00018; ExAC 0.00033; 1000 Genomes Project 30x 0.00094; 1000 Genomes Project 0.00100.
gnomAD v4.1: 96 of 1,611,452 alleles (0.006%); highest among the groups gnomAD compares: East Asian, 0.2%; 1 homozygote.

Submissions (2):

CeGaT Center for Human Genetics Tuebingen
Classification: Likely benign. Last evaluated: 2026-08-01. Review status: criteria provided, single submitter. Criteria: CeGaT Center For Human Genetics Tuebingen Variant Classification Criteria Version 2. Collection method: clinical testing. Allele origin: germline. Affected: yes. Observed: 1 variant allele.
Comment: NBEA: BP4, BS1

PreventionGenetics, part of Exact Sciences
Classification: Likely benign for NBEA-related condition. Last evaluated: 2023-12-27. Review status: no assertion criteria provided. Collection method: clinical testing. Allele origin: germline. Not counted in ClinVar's aggregate classification.
Comment: This variant is classified as likely benign based on ACMG/AMP sequence variant interpretation guidelines (Richards et al. 2015 PMID: 25741868, with internal and published modifications).